The following is an entry in ClinVar:

NM_001378454.1(ALMS1):c.3575A>G (p.Tyr1192Cys)

Gene: ALMS1 (ALMS1 centrosome and basal body associated protein; plus strand). Cytogenetic location: 2p13.1.
Variant type: single nucleotide variant.
Coding change: c.3575A>G on transcript NM_001378454.1 (MANE Select); coding-DNA position 3575, A replaced by G.
Protein change: p.Tyr1192Cys; replaces tyrosine 1192 with cysteine.
Molecular consequence: missense variant.
Genome position (GRCh38, 1-based): chr2:73,450,102, A>G. VCF-style: chr2-73450102-A-G. GRCh37 (hg19) VCF-style: chr2-73677229-A-G.
Other names: c.3578A>G, p.Tyr1193Cys (NM_015120.4); short protein forms Y1193C, Y1192C.
Identifiers: ClinVar variation 2142068 (VCV002142068.3), dbSNP rs2466098695, ClinGen allele CA347275945.

ClinVar aggregate classification (germline): Uncertain significance (1 of 4 stars; one submission).

Conditions:
Alstrom syndrome (ALMS). Identifiers: Orphanet 64, MedGen C0268425, MONDO:0008763, OMIM 203800.

Submission:

Labcorp Genetics (formerly Invitae), Labcorp
Classification: Uncertain significance for Alstrom syndrome. Last evaluated: 2022-01-16. Review status: criteria provided, single submitter. Criteria: Invitae Variant Classification Sherloc (09022015). Collection method: clinical testing. Allele origin: germline.
Comment: This sequence change replaces tyrosine, which is neutral and polar, with cysteine, which is neutral and slightly polar, at codon 1193 of the ALMS1 protein (p.Tyr1193Cys). This variant is not present in population databases (gnomAD no frequency). This variant has not been reported in the literature in individuals affected with ALMS1-related conditions. Experimental studies and prediction algorithms are not available or were not evaluated, and the functional significance of this variant is currently unknown. In summary, the available evidence is currently insufficient to determine the role of this variant in disease. Therefore, it has been classified as a Variant of Uncertain Significance.